The following is an entry in ClinVar:

ClinVar aggregate classification (germline): Pathogenic (3 of 4 stars; one submission).

Conditions:
Breast-ovarian cancer, familial, susceptibility to, 2 (BROVCA2). Also called: BRCA2 Hereditary Breast and Ovarian Cancer. Identifiers: Orphanet 145, MedGen C2675520, MONDO:0012933, OMIM 612555. Disease mechanism: loss of function.

Submission:

Evidence-based Network for the Interpretation of Germline Mutant Alleles (ENIGMA)
Classification: Pathogenic for Breast-ovarian cancer, familial, susceptibility to, 2. Last evaluated: 2017-12-15. Review status: reviewed by expert panel. Criteria: ENIGMA BRCA1/2 Classification Criteria (2017-06-29). Collection method: curation. Allele origin: germline. Study: ENIGMA.
Comment: Variant allele predicted to encode a truncated non-functional protein.

NM_000059.4(BRCA2):c.3448_3449insAG (p.Thr1150fs)

Gene: BRCA2 (BRCA2 DNA repair associated; plus strand). Cytogenetic location: 13q13.1.
Variant type: Insertion.
Coding change: c.3448_3449insAG on transcript NM_000059.4 (MANE Select); coding-DNA positions 3448 to 3449, AG inserted.
Protein change: p.Thr1150fs; shifts the reading frame from threonine 1150.
Molecular consequence: frameshift variant.
Genome position: GRCh38 VCF-style: chr13-32337803-A-AAG. GRCh37 (hg19) VCF-style: chr13-32911940-A-AAG.
Other names: short protein forms T1150fs.
Identifiers: ClinVar variation 548437 (VCV000548437.1), dbSNP rs1555283245, ClinGen allele CA658823667.